The following is an entry in ClinVar:

ClinVar aggregate classification (germline): Likely pathogenic (1 of 4 stars; one submission).

Conditions:
Sialic acid storage disease, severe infantile type (ISSD). Also called: N-ACETYLNEURAMINIC ACID STORAGE DISEASE; NANA STORAGE DISEASE; SIALURIA, INFANTILE FORM; Free sialic acid storage disease, infantile form; INFANTILE SIALIC ACID STORAGE DISORDER; Infantile Sialic Acid Storage Disease. Identifiers: Orphanet 309324, Orphanet 834, MedGen C1096902, MONDO:0010027, OMIM 269920.
Salla disease (SD). Also called: Sialuria, Finnish type; N-acetylneuraminic acid (NANA) storage disease (NSD); Infantile sialic acid storage disorder (ISSD); Less Severe FSASD (Salla Disease). Identifiers: Orphanet 309334, Orphanet 834, MedGen C1096903, MONDO:0011449, OMIM 604369.

Submission:

Juno Genomics, Hangzhou Juno Genomics, Inc
Classification: Likely pathogenic for Salla disease; Sialic acid storage disease, severe infantile type. Review status: criteria provided, single submitter. Criteria: ACMG Guidelines, 2015. Collection method: clinical testing. Allele origin: germline.
Comment: Null variant in a gene where loss of function (LOF) is a known mechanism of disease.;Absent from controls (or at extremely low frequency if recessive) in Genome Aggregation Database.

NM_012434.5(SLC17A5):c.820del (p.Leu274fs)

Gene: SLC17A5 (solute carrier family 17 member 5; minus strand). Cytogenetic location: 6q13.
Variant type: Deletion.
Coding change: c.820del on transcript NM_012434.5 (MANE Select); coding-DNA position 820, one base deleted (C; older notation c.820delC).
Protein change: p.Leu274fs; shifts the reading frame from leucine 274.
Molecular consequence: frameshift variant. On other transcripts: intron variant (1).
Genome position (GRCh38, 1-based): chr6:73,621,962, G deleted on the plus strand (C on the coding strand, the reverse complement: SLC17A5 is on the minus strand). VCF-style (leftmost placement, unchanged base first): chr6-73621961-AG-A. GRCh37 (hg19) VCF-style: chr6-74331684-AG-A.
Other names: c.589del, p.Leu197fs (NM_001382629.1); c.820del, p.Leu274fs (NM_001382630.1, NM_001382633.1); c.841del, p.Leu281fs (NM_001382631.1); c.733del, p.Leu245fs (NM_001382632.1); c.817del, p.Leu273fs (NM_001382635.1); c.502del, p.Leu168fs (NM_001382636.1); c.820-6515del (NM_001382634.1); short protein forms L168fs, L281fs, L245fs, L274fs, L197fs, L273fs.
Identifiers: ClinVar variation 5007091 (VCV005007091.2).